The following is an entry in ClinVar:

ClinVar aggregate classification (germline): Uncertain significance. Review status: criteria provided, multiple submitters, no conflicts (2 of 4 stars). 2 submissions from 2 submitters: Uncertain significance (2). Last evaluated 2021-10-29.

Conditions:
Inborn genetic diseases. Identifiers: MedGen C0950123, MeSH D030342.
Hereditary sensory and autonomic neuropathy type 7. Also called: Neuropathy, hereditary sensory and autonomic, type VII; HSAN VII. Identifiers: Orphanet 391397, MedGen C3809882, MONDO:0014244, OMIM 615548.
Familial episodic pain syndrome with predominantly lower limb involvement. Also called: Episodic pain syndrome, familial, 3. Identifiers: Orphanet 391384, Orphanet 391392, MedGen C3809899, MONDO:0014247, OMIM 615552.

Allele frequency attached by ClinVar (database versions not stated): gnomAD exomes below 0.00001; ExAC 0.00001; gnomAD 0.00001; TOPMed 0.00001.
gnomAD v4.1: 5 of 1,612,098 alleles (0.00031%); highest among the groups gnomAD compares: Non-Finnish European, 0.00042%; no homozygotes.

Submissions (2):

Ambry Genetics
Classification: Uncertain significance for Inborn genetic diseases. Last evaluated: 2021-10-29. Review status: criteria provided, single submitter. Criteria: Ambry Variant Classification Scheme 2023. Collection method: clinical testing. Allele origin: germline.

Labcorp Genetics (formerly Invitae), Labcorp
Classification: Uncertain significance for Familial episodic pain syndrome with predominantly lower limb involvement; Hereditary sensory and autonomic neuropathy type 7. Last evaluated: 2020-10-10. Review status: criteria provided, single submitter. Criteria: Invitae Variant Classification Sherloc (09022015). Collection method: clinical testing. Allele origin: germline.
Comment: In summary, this variant is a missense change of unknown frequency that is not predicted to affect protein function. There is no indication that it causes disease, but the available evidence is currently insufficient to prove that conclusively. Therefore, it has been classified as a Variant of Uncertain Significance. Algorithms developed to predict the effect of missense changes on protein structure and function output the following: SIFT: "Tolerated"; PolyPhen-2: "Benign"; Align-GVGD: "Class C0". The arginine amino acid residue is found in multiple mammalian species, suggesting that this missense change does not adversely affect protein function. These predictions have not been confirmed by published functional studies. The frequency data for this variant (rs764962415) in the population databases is unreliable, as metrics indicate poor quality at this position in the ExAC database. This variant has not been reported in the literature in individuals with a SCN11A-related disease. This sequence change replaces glutamine with arginine at codon 562 of the SCN11A protein (p.Gln562Arg). The glutamine residue is moderately conserved and there is a small physicochemical difference between glutamine and arginine.

NM_001349253.2(SCN11A):c.1685A>G (p.Gln562Arg)

Gene: SCN11A (sodium voltage-gated channel alpha subunit 11; minus strand). Cytogenetic location: 3p22.2.
Variant type: single nucleotide variant.
Coding change: c.1685A>G on transcript NM_001349253.2 (MANE Select); coding-DNA position 1685, A replaced by G.
Protein change: p.Gln562Arg; replaces glutamine 562 with arginine.
Molecular consequence: missense variant.
Genome position (GRCh38, 1-based): chr3:38,904,022, T>C on the plus strand (A>G on the coding strand, the complement: SCN11A is on the minus strand). VCF-style: chr3-38904022-T-C. GRCh37 (hg19) VCF-style: chr3-38945513-T-C.
Other names: c.1685A>G, p.Gln562Arg (NM_014139.3); short protein forms Q562R.
Identifiers: ClinVar variation 474693 (VCV000474693.8), dbSNP rs764962415, ClinGen allele CA2322230.